The following is an entry in ClinVar:

NM_001818.5(AKR1C4):c.772C>T (p.Arg258Cys)

Gene: AKR1C4 (aldo-keto reductase family 1 member C4; plus strand). Cytogenetic location: 10p15.1.
Variant type: single nucleotide variant.
Coding change: c.772C>T on transcript NM_001818.5 (MANE Select); coding-DNA position 772, C replaced by T.
Protein change: p.Arg258Cys; replaces arginine 258 with cysteine.
Molecular consequence: missense variant.
Genome position (GRCh38, 1-based): chr10:5,213,085, C>T. VCF-style: chr10-5213085-C-T. GRCh37 (hg19) VCF-style: chr10-5255048-C-T.
Other names: short protein forms R258C.
Identifiers: ClinVar variation 2697670 (VCV002697670.3), dbSNP rs766853328, ClinGen allele CA5391588.

ClinVar aggregate classification (germline): Uncertain significance (1 of 4 stars; one submission).

Allele frequency attached by ClinVar (database versions not stated): ExAC 0.00012; TOPMed 0.00007; gnomAD 0.00005; gnomAD exomes 0.00009.
gnomAD v4.1: 142 of 1,613,994 alleles (0.0088%); highest among the groups gnomAD compares: South Asian, 0.048%; 1 homozygote.

Submission:

Labcorp Genetics (formerly Invitae), Labcorp
Classification: Uncertain significance. Last evaluated: 2025-11-27. Review status: criteria provided, single submitter. Criteria: Invitae Variant Classification Sherloc (09022015). Collection method: clinical testing. Allele origin: germline.
Comment: This sequence change replaces arginine, which is basic and polar, with cysteine, which is neutral and slightly polar, at codon 258 of the AKR1C4 protein (p.Arg258Cys). This variant is present in population databases (rs766853328, gnomAD 0.04%). This variant has not been reported in the literature in individuals affected with AKR1C4-related conditions. ClinVar contains an entry for this variant (Variation ID: 2697670). Invitae Evidence Modeling of protein sequence and biophysical properties (such as structural, functional, and spatial information, amino acid conservation, physicochemical variation, residue mobility, and thermodynamic stability) has been performed for this missense variant. However, the output from this modeling did not meet the statistical confidence thresholds required to predict the impact of this variant on AKR1C4 protein function. In summary, the available evidence is currently insufficient to determine the role of this variant in disease. Therefore, it has been classified as a Variant of Uncertain Significance.